The following is an entry in ClinVar:

NM_000256.3(MYBPC3):c.3037C>G (p.Pro1013Ala)

Gene: MYBPC3 (myosin binding protein C3; minus strand). Cytogenetic location: 11p11.2.
Variant type: single nucleotide variant.
Coding change: c.3037C>G on transcript NM_000256.3 (MANE Select); coding-DNA position 3037, C replaced by G.
Protein change: p.Pro1013Ala; replaces proline 1013 with alanine.
Molecular consequence: missense variant.
Genome position (GRCh38, 1-based): chr11:47,333,710, G>C on the plus strand (C>G on the coding strand, the complement: MYBPC3 is on the minus strand). VCF-style: chr11-47333710-G-C. GRCh37 (hg19) VCF-style: chr11-47355261-G-C.
Other names: c.3037C>G, p.Pro1013Ala (LRG_386t1); short protein forms P1013A.
Identifiers: ClinVar variation 454322 (VCV000454322.19), dbSNP rs965977966, ClinGen allele CA221682883.

ClinVar aggregate classification (germline): Uncertain significance. Review status: criteria provided, multiple submitters, no conflicts (2 of 4 stars). 7 submissions from 7 submitters: Uncertain significance (7). Last evaluated 2026-07-20.

Conditions:
MYBPC3-related disorder. Also called: MYBPC3-related disorders; MYBPC3-related condition; MYBPC3-related disease.
Cardiovascular phenotype. Identifiers: MedGen CN230736.
Cardiomyopathy (CMYO). Also called: Cardiomyopathies. Identifiers: Orphanet 167848, MedGen C0878544, MONDO:0004994, HP:0001638. Inheritance: Various modes of inheritance.
Hypertrophic cardiomyopathy. Also called: HYPERTROPHIC MYOCARDIOPATHY. Identifiers: Orphanet 217569, MedGen C0007194, MeSH D002312, MONDO:0005045, HP:0001639.

Allele frequency attached by ClinVar (database versions not stated): TOPMed below 0.00001; gnomAD 0.00001.
gnomAD v4.1: 2 of 1,609,164 alleles (0.00012%); highest among the groups gnomAD compares: African/African-American, 0.0027%; no homozygotes.

Submissions (7):

PreventionGenetics, part of Exact Sciences
Classification: Uncertain significance for MYBPC3-related condition. Last evaluated: 2026-07-20. Review status: criteria provided, single submitter. Criteria: ACMG Guidelines, 2015. Collection method: clinical testing. Allele origin: germline.
Comment: The MYBPC3 c.3037C>G variant is predicted to result in the amino acid substitution p.Pro1013Ala. To our knowledge, this variant has not been reported in the literature. This variant is reported in 0.011% of alleles in individuals of African descent in gnomAD. At this time, the clinical significance of this variant is uncertain due to the absence of conclusive functional and genetic evidence.

Women's Health and Genetics/Laboratory Corporation of America, LabCorp
Classification: Uncertain significance. Last evaluated: 2025-12-26. Review status: criteria provided, single submitter. Criteria: LabCorp Variant Classification Summary - May 2015. Collection method: clinical testing. Allele origin: germline.

Labcorp Genetics (formerly Invitae), Labcorp
Classification: Uncertain significance for Hypertrophic cardiomyopathy. Last evaluated: 2025-10-13. Review status: criteria provided, single submitter. Criteria: Invitae Variant Classification Sherloc (09022015). Collection method: clinical testing. Allele origin: germline.
Comment: This sequence change replaces proline, which is neutral and non-polar, with alanine, which is neutral and non-polar, at codon 1013 of the MYBPC3 protein (p.Pro1013Ala). This variant is present in population databases (no rsID available, gnomAD 0.01%). This variant has not been reported in the literature in individuals affected with MYBPC3-related conditions. ClinVar contains an entry for this variant (Variation ID: 454322). An algorithm developed to predict the effect of missense changes on protein structure and function (PolyPhen-2) suggests that this variant is likely to be tolerated. In summary, the available evidence is currently insufficient to determine the role of this variant in disease. Therefore, it has been classified as a Variant of Uncertain Significance.

Ambry Genetics
Classification: Uncertain significance for Cardiovascular phenotype. Last evaluated: 2025-08-31. Review status: criteria provided, single submitter. Criteria: Ambry Variant Classification Scheme 2023. Collection method: clinical testing. Allele origin: germline.

GeneDx
Classification: Uncertain significance. Last evaluated: 2024-09-24. Review status: criteria provided, single submitter. Criteria: GeneDx Variant Classification Process June 2021. Collection method: clinical testing. Allele origin: germline. Affected: yes.
Comment: Not observed at significant frequency in large population cohorts (gnomAD); In silico analysis supports that this missense variant has a deleterious effect on protein structure/function; Has not been previously published as pathogenic or benign to our knowledge

Color Diagnostics, LLC DBA Color Health
Classification: Uncertain significance for Cardiomyopathy. Last evaluated: 2023-12-05. Review status: criteria provided, single submitter. Criteria: ACMG Guidelines, 2015. Collection method: clinical testing. Allele origin: germline.
Comment: Variant of Uncertain Significance due to insufficient evidence: This missense variant is located in the Ig-like domain C8 of the MYBPC3 protein. Computational prediction tools and conservation analyses are inconclusive regarding the impact of this variant on the protein function. Computational splicing tools suggest that this variant may not impact RNA splicing. To our knowledge, functional assays have not been performed for this variant nor has this variant been reported in individuals affected with cardiovascular disorders in the literature. This variant has been identified in 1/30946 chromosomes in the general population by the Genome Aggregation Database (gnomAD). Available evidence is insufficient to determine the pathogenicity of this variant conclusively.

All of Us Research Program, National Institutes of Health
Classification: Uncertain significance for Hypertrophic cardiomyopathy. Last evaluated: 2023-08-15. Review status: criteria provided, single submitter. Criteria: ACMG Guidelines, 2015. Collection method: clinical testing. Allele origin: germline. Inheritance: Autosomal dominant inheritance. Observed: 1 variant allele, 1 heterozygote.
Comment: Variant of Uncertain Significance due to insufficient evidence: This missense variant is located in the Ig-like domain C8 of the MYBPC3 protein. Computational prediction tools and conservation analyses are inconclusive regarding the impact of this variant on the protein function. Computational splicing tools suggest that this variant may not impact RNA splicing. To our knowledge, functional assays have not been performed for this variant nor has this variant been reported in individuals affected with cardiovascular disorders in the literature. This variant has been identified in 1/30946 chromosomes in the general population by the Genome Aggregation Database (gnomAD). Available evidence is insufficient to determine the pathogenicity of this variant conclusively.

This study involves interpretation of variants in research participants for the purpose of population health screening. Participant phenotype was not available at the time of variant classification. Additional details can be found in publication PMID: 35346344, PMCID: PMC8962531